The following is an entry in ClinVar:

NM_000051.4(ATM):c.62C>T (p.Thr21Ile)

Gene: ATM (ATM serine/threonine kinase; plus strand). Cytogenetic location: 11q22.3.
Variant type: single nucleotide variant.
Coding change: c.62C>T on transcript NM_000051.4 (MANE Select); coding-DNA position 62, C replaced by T.
Protein change: p.Thr21Ile; replaces threonine 21 with isoleucine.
Molecular consequence: missense variant.
Genome position (GRCh38, 1-based): chr11:108,227,686, C>T. VCF-style: chr11-108227686-C-T. GRCh37 (hg19) VCF-style: chr11-108098413-C-T.
Other names: c.62C>T, p.Thr21Ile (NM_001351834.2, NM_001351835.2, NM_001351836.2); short protein forms T21I.
Identifiers: ClinVar variation 1465827 (VCV001465827.3), dbSNP rs1442769051, ClinGen allele CA382519334.

ClinVar aggregate classification (germline): Uncertain significance (1 of 4 stars; one submission).

Conditions:
Ataxia-telangiectasia syndrome (AT). Also called: Ataxia-telangiectasia, complementation group D; AT, COMPLEMENTATION GROUP C; Cerebello-oculocutaneous telangiectasia; Immunodeficiency with ataxia telangiectasia; Ataxia-telangiectasia, complementation group E; LOUIS-BAR SYNDROME. Identifiers: Orphanet 100, MedGen C0004135, MONDO:0008840, OMIM 208900.

Allele frequency attached by ClinVar (database versions not stated): gnomAD exomes below 0.00001.
gnomAD v4.1: 5 of 1,613,644 alleles (0.00031%); highest among the groups gnomAD compares: South Asian, 0.0033%; no homozygotes.

Submission:

Labcorp Genetics (formerly Invitae), Labcorp
Classification: Uncertain significance for Ataxia-telangiectasia syndrome. Last evaluated: 2022-08-20. Review status: criteria provided, single submitter. Criteria: Invitae Variant Classification Sherloc (09022015). Collection method: clinical testing. Allele origin: germline.
Comment: This sequence change replaces threonine, which is neutral and polar, with isoleucine, which is neutral and non-polar, at codon 21 of the ATM protein (p.Thr21Ile). This variant is present in population databases (no rsID available, gnomAD 0.003%). This variant has not been reported in the literature in individuals affected with ATM-related conditions. ClinVar contains an entry for this variant (Variation ID: 1465827). Advanced modeling of protein sequence and biophysical properties (such as structural, functional, and spatial information, amino acid conservation, physicochemical variation, residue mobility, and thermodynamic stability) performed at Invitae indicates that this missense variant is not expected to disrupt ATM protein function. Algorithms developed to predict the effect of sequence changes on RNA splicing suggest that this variant may disrupt the consensus splice site. In summary, the available evidence is currently insufficient to determine the role of this variant in disease. Therefore, it has been classified as a Variant of Uncertain Significance.